The following is an entry in ClinVar:

NM_001080414.4(CCDC88C):c.3001C>T (p.Gln1001Ter)

Gene: CCDC88C (coiled-coil and HOOK domain protein 88C; minus strand). Cytogenetic location: 14q32.11.
Variant type: single nucleotide variant.
Coding change: c.3001C>T on transcript NM_001080414.4 (MANE Select); coding-DNA position 3001, C replaced by T.
Protein change: p.Gln1001Ter; replaces glutamine 1001 with a stop codon.
Molecular consequence: nonsense. On other transcripts: non-coding transcript variant (2).
Genome position (GRCh38, 1-based): chr14:91,308,356, G>A on the plus strand (C>T on the coding strand, the complement: CCDC88C is on the minus strand). VCF-style: chr14-91308356-G-A. GRCh37 (hg19) VCF-style: chr14-91774700-G-A.
Other names: short protein forms Q1001*.
Identifiers: ClinVar variation 5014368 (VCV005014368.1).

ClinVar aggregate classification (germline): Pathogenic (1 of 4 stars; one submission).

Conditions:
Hydrocephalus, nonsyndromic, autosomal recessive 1 (HYC1). Also called: Hydrocephalus, nonsyndromic, autosomal recessive; Congenital hydrocephalus 1. Identifiers: Orphanet 2185, MedGen C3887608, MONDO:0009360, OMIM 236600.

Submission:

Myriad Genetics, Inc.
Classification: Pathogenic for Hydrocephalus, nonsyndromic, autosomal recessive 1. Last evaluated: 2025-05-01. Review status: criteria provided, single submitter. Criteria: Myriad Autosomal Dominant, Autosomal Recessive and X-Linked Classification Criteria (2023). Collection method: clinical testing. Allele origin: unknown.
Comment: NM_001080414.3(CCDC88C):c.3001C>T(Q1001*) is expected to be pathogenic in the context of congenital hydrocephalus, CCDC88C-related. This variant is predicted to lead to an abnormal or absent protein product due to the creation of a premature termination codon in CCDC88C, a gene where loss-of-function variants are known to be pathogenic. Please note: this variant was assessed in the context of healthy population screening.